The following is an entry in ClinVar:

NM_032638.5(GATA2):c.310G>T (p.Ala104Ser)

Gene: GATA2 (GATA binding protein 2; minus strand). Cytogenetic location: 3q21.3.
Variant type: single nucleotide variant.
Coding change: c.310G>T on transcript NM_032638.5 (MANE Select); coding-DNA position 310, G replaced by T.
Protein change: p.Ala104Ser; replaces alanine 104 with serine.
Molecular consequence: missense variant.
Genome position (GRCh38, 1-based): chr3:128,486,288, C>A on the plus strand (G>T on the coding strand, the complement: GATA2 is on the minus strand). VCF-style: chr3-128486288-C-A. GRCh37 (hg19) VCF-style: chr3-128205131-C-A.
Other names: c.310G>T, p.Ala104Ser (NM_001145661.2, NM_001145662.1); short protein forms A104S.
Identifiers: ClinVar variation 404081 (VCV000404081.8), dbSNP rs1060500089, ClinGen allele CA16611144.
Genomic context (GRCh38, chr3:128,486,288, plus strand): 5'-TCTTGGAGAAGGGGCTCACGGTCCAGGGGTTGTGGTGGTGGGCCGCAGCGGCAGAGAGGG[C>A]TGCTTTGCCCCCGTCCAGCCAGGGCAAACCCGGGCTGTGCAACAAGTGTGGGCGGCACAT-3'
Protein context (NP_116027.2, residues 94-114): GLPWLDGGKA[Ala104Ser]LSAAAAHHHN

ClinVar aggregate classification (germline): Uncertain significance (1 of 4 stars; one submission).

Conditions:
Deafness-lymphedema-leukemia syndrome. Also called: Lymphedema, primary, with myelodysplasia; Emberger syndrome. Identifiers: Orphanet 3226, MedGen C3279664, MONDO:0013540, OMIM 614038.
Monocytopenia with susceptibility to infections. Also called: MONOCYTOPENIA AND MYCOBACTERIAL INFECTION SYNDROME; MONOCYTOPENIA WITH SUSCEPTIBILITY TO MYCOBACTERIAL, FUNGAL, AND PAPILLOMAVIRUS INFECTIONS AND MYELODYSPLASIA; COMBINED IMMUNODEFICIENCY WITH SUSCEPTIBILITY TO MYCOBACTERIAL, VIRAL, AND FUNGAL INFECTIONS; Dendritic cell, monocyte, B lymphocyte, and natural killer lymphocyte deficiency; IMMUNODEFICIENCY 21; GATA2 DEFICIENCY. Identifiers: Orphanet 228423, MedGen C3280030, MONDO:0013607, OMIM 614172.

Submission:

Labcorp Genetics (formerly Invitae), Labcorp
Classification: Uncertain significance for Monocytopenia with susceptibility to infections; Deafness-lymphedema-leukemia syndrome. Last evaluated: 2022-08-04. Review status: criteria provided, single submitter. Criteria: Invitae Variant Classification Sherloc (09022015). Collection method: clinical testing. Allele origin: germline.
Comment: In summary, the available evidence is currently insufficient to determine the role of this variant in disease. Therefore, it has been classified as a Variant of Uncertain Significance. Advanced modeling of protein sequence and biophysical properties (such as structural, functional, and spatial information, amino acid conservation, physicochemical variation, residue mobility, and thermodynamic stability) performed at Invitae indicates that this missense variant is not expected to disrupt GATA2 protein function. ClinVar contains an entry for this variant (Variation ID: 404081). This variant has not been reported in the literature in individuals affected with GATA2-related conditions. This variant is not present in population databases (gnomAD no frequency). This sequence change replaces alanine, which is neutral and non-polar, with serine, which is neutral and polar, at codon 104 of the GATA2 protein (p.Ala104Ser).